The following is an entry in ClinVar:

ClinVar aggregate classification (germline): Uncertain significance (1 of 4 stars; one submission).

Conditions:
Hereditary cancer-predisposing syndrome. Also called: Tumor predisposition; Hereditary neoplastic syndrome; Neoplastic Syndromes, Hereditary; Hereditary Cancer Syndrome. Identifiers: Orphanet 140162, MedGen C0027672, MeSH D009386, MONDO:0015356.

Submission:

Labcorp Genetics (formerly Invitae), Labcorp
Classification: Uncertain significance for Hereditary cancer-predisposing syndrome. Last evaluated: 2020-10-27. Review status: criteria provided, single submitter. Criteria: Invitae Variant Classification Sherloc (09022015). Collection method: clinical testing. Allele origin: germline.
Comment: This sequence change replaces lysine with arginine at codon 461 of the RAD50 protein (p.Lys461Arg). The lysine residue is moderately conserved and there is a small physicochemical difference between lysine and arginine. This variant is not present in population databases (ExAC no frequency). In summary, the available evidence is currently insufficient to determine the role of this variant in disease. Therefore, it has been classified as a Variant of Uncertain Significance. Algorithms developed to predict the effect of sequence changes on RNA splicing suggest that this variant may create or strengthen a splice site, but this prediction has not been confirmed by published transcriptional studies. Algorithms developed to predict the effect of missense changes on protein structure and function output the following: SIFT: "Tolerated"; PolyPhen-2: "Benign"; Align-GVGD: "Class C0". The arginine amino acid residue is found in multiple mammalian species, suggesting that this missense change does not adversely affect protein function. These predictions have not been confirmed by published functional studies and their clinical significance is uncertain. This variant has not been reported in the literature in individuals with RAD50-related conditions.

NM_005732.4(RAD50):c.1382A>G (p.Lys461Arg)

Gene: RAD50 (RAD50 double strand break repair protein; plus strand). Cytogenetic location: 5q31.1.
Variant type: single nucleotide variant.
Coding change: c.1382A>G on transcript NM_005732.4 (MANE Select); coding-DNA position 1382, A replaced by G.
Protein change: p.Lys461Arg; replaces lysine 461 with arginine.
Molecular consequence: missense variant.
Genome position (GRCh38, 1-based): chr5:132,589,767, A>G. VCF-style: chr5-132589767-A-G. GRCh37 (hg19) VCF-style: chr5-131925459-A-G.
Other names: short protein forms K461R.
Identifiers: ClinVar variation 1494290 (VCV001494290.8), dbSNP rs2149841535, ClinGen allele CA360944466.
Genomic context (GRCh38, chr5:132,589,767, plus strand): 5'-GAATAATTGAGTTAAAATCAGAAATCCTAAGTAAGAAGCAGAATGAGCTGAAAAATGTGA[A>G]GTATGAATTACAGCAGTTGGAAGGATCTTCAGACAGGATTCTTGAACTGGACCAGGAGCT-3'
Protein context (NP_005723.2, residues 451-471): SKKQNELKNV[Lys461Arg]YELQQLEGSS